The following is an entry in ClinVar:

ClinVar aggregate classification (germline): Pathogenic. Review status: criteria provided, multiple submitters, no conflicts (2 of 4 stars). 2 submissions from 2 submitters: Pathogenic (2). Last evaluated 2024-07-08.

Conditions:
SHANK3-related disorder. Also called: SHANK3-related condition.

Submissions (2):

Blueprint Genetics
Classification: Pathogenic for SHANK3-related disorders. Last evaluated: 2024-07-08. Review status: criteria provided, single submitter. Criteria: ACMG Guidelines, 2015. Collection method: clinical testing. Allele origin: de novo. Affected: yes. Observed: 2 variant alleles.

GeneDx
Classification: Pathogenic. Last evaluated: 2024-05-28. Review status: criteria provided, single submitter. Criteria: GeneDx Variant Classification Process June 2021. Collection method: clinical testing. Allele origin: germline. Affected: yes.
Comment: Frameshift variant predicted to result in protein truncation or nonsense mediated decay in a gene for which loss of function is a known mechanism of disease; Not observed at significant frequency in large population cohorts (gnomAD); Has not been previously published as pathogenic or benign to our knowledge

NM_001372044.2(SHANK3):c.3243del (p.Leu1082fs)

Gene: SHANK3 (SH3 and multiple ankyrin repeat domains 3; plus strand). Cytogenetic location: 22q13.33.
Variant type: Deletion.
Coding change: c.3243del on transcript NM_001372044.2 (MANE Select); coding-DNA position 3243, one base deleted (G; older notation c.3243delG).
Protein change: p.Leu1082fs; shifts the reading frame from leucine 1082.
Molecular consequence: frameshift variant.
Genome position (GRCh38, 1-based): chr22:50,720,851, G deleted; the last of 4 consecutive G bases (chr22:50,720,848-50,720,851); deleting any one gives the same sequence. VCF-style (leftmost placement, unchanged base first): chr22-50720847-CG-C. GRCh37 (hg19) VCF-style: chr22-51159275-CG-C.
Other names: c.3018del (NM_033517.1); short protein forms L1082fs.
Identifiers: ClinVar variation 3383494 (VCV003383494.2).